The following is an entry in ClinVar:

NM_003482.4(KMT2D):c.7035G>A (p.Leu2345=)

Gene: KMT2D (lysine methyltransferase 2D; minus strand). Cytogenetic location: 12q13.12.
Variant type: single nucleotide variant.
Coding change: c.7035G>A on transcript NM_003482.4 (MANE Select); coding-DNA position 7035, G replaced by A.
Protein change: p.Leu2345=; no amino-acid change (leucine 2345 retained).
Molecular consequence: synonymous variant.
Genome position (GRCh38, 1-based): chr12:49,040,735, C>T on the plus strand (G>A on the coding strand, the complement: KMT2D is on the minus strand). VCF-style: chr12-49040735-C-T. GRCh37 (hg19) VCF-style: chr12-49434518-C-T.
Identifiers: ClinVar variation 94244 (VCV000094244.23), dbSNP rs398123756, ClinGen allele CA172434.

ClinVar aggregate classification (germline): Conflicting classifications of pathogenicity. Review status: criteria provided, conflicting classifications (1 of 4 stars). 6 submissions from 6 submitters: Uncertain significance (1); Likely benign (4). 1 of the submissions does not count toward it. Last evaluated 2026-01-18.

Conditions:
KMT2D-related disorder. Also called: KMT2D-Related Disorders.
Kabuki syndrome. Also called: NIIKAWA-KUROKI SYNDROME; Kabuki make-up syndrome. Identifiers: Orphanet 2322, MedGen C0796004, MONDO:0016512.

Allele frequency attached by ClinVar (database versions not stated): ExAC 0.00002; gnomAD exomes 0.00002; gnomAD 0.00003; TOPMed 0.00006.
gnomAD v4.1: 39 of 1,613,360 alleles (0.0024%); highest among the groups gnomAD compares: Admixed American, 0.012%; no homozygotes.

Submissions (6):

Labcorp Genetics (formerly Invitae), Labcorp
Classification: Likely benign for Kabuki syndrome. Last evaluated: 2026-01-18. Review status: criteria provided, single submitter. Criteria: Invitae Variant Classification Sherloc (09022015). Collection method: clinical testing. Allele origin: germline.

Blueprint Genetics
Classification: Likely benign. Last evaluated: 2024-10-18. Review status: criteria provided, single submitter. Criteria: ACMG Guidelines, 2015. Collection method: clinical testing. Allele origin: germline.

ARUP Laboratories, Molecular Genetics and Genomics, ARUP Laboratories
Classification: Likely benign. Last evaluated: 2023-08-26. Review status: criteria provided, single submitter. Criteria: ARUP Molecular Germline Variant Investigation Process 2024. Collection method: clinical testing. Allele origin: germline.

Eurofins Ntd Llc (ga)
Classification: Uncertain significance. Last evaluated: 2013-03-18. Review status: criteria provided, single submitter. Criteria: EGL Classification Definitions 2015. Collection method: clinical testing. Allele origin: germline. Observed: 2 variant alleles, 2 heterozygotes.

Genetic Services Laboratory, University of Chicago
Classification: Likely benign. Last evaluated: 2013-02-08. Review status: criteria provided, single submitter. Criteria: ACMG Guidelines, 2007. Collection method: clinical testing. Allele origin: germline. Inheritance: Autosomal dominant inheritance.

PreventionGenetics, part of Exact Sciences
Classification: Likely benign for KMT2D-related condition. Last evaluated: 2019-03-22. Review status: no assertion criteria provided. Collection method: clinical testing. Allele origin: germline. Not counted in ClinVar's aggregate classification.
Comment: This variant is classified as likely benign based on ACMG/AMP sequence variant interpretation guidelines (Richards et al. 2015 PMID: 25741868, with internal and published modifications).